The following is an entry in ClinVar:

ClinVar aggregate classification (germline): Uncertain significance. Review status: criteria provided, multiple submitters, no conflicts (2 of 4 stars). 5 submissions from 5 submitters: Uncertain significance (5). Last evaluated 2026-10-08.

Conditions:
Epiphyseal dysplasia, multiple, 6. Also called: COL9A1-Related Multiple Epiphyseal Dysplasia. Identifiers: MedGen C2675767, MONDO:0013591, OMIM 614135.
Stickler syndrome, type 4 (STL4). Identifiers: Orphanet 250984, Orphanet 828, MedGen C3279941, MONDO:0013590, OMIM 614134.

Allele frequency attached by ClinVar (database versions not stated): gnomAD 0.00016 and 0.00017; TOPMed 0.00016; gnomAD exomes 0.00017 and 0.00027; 1000 Genomes Project 30x 0.00016; ESP Exome Variant Server 0.00015; ExAC 0.00017; 1000 Genomes Project 0.00020.
gnomAD v4.1: 420 of 1,611,252 alleles (0.026%); highest among the groups gnomAD compares: Non-Finnish European, 0.033%; no homozygotes.

Submissions (5):

GeneDx
Classification: Uncertain significance. Last evaluated: 2026-10-08. Review status: criteria provided, single submitter. Criteria: GeneDx Variant Classification Process June 2021. Collection method: clinical testing. Allele origin: germline.
Comment: In silico analysis suggests that this missense variant does not alter protein structure/function; Has not been previously published as pathogenic or benign to our knowledge

Clinical Genomics Laboratory, Washington University in St. Louis
Classification: Uncertain significance for Stickler syndrome, type 4; Epiphyseal dysplasia, multiple, 6. Last evaluated: 2025-06-13. Review status: criteria provided, single submitter. Criteria: ACMG Guidelines, 2015. Collection method: clinical testing. Allele origin: germline.
Comment: The COL9A1 c.1070G>A (p.Arg357His) variant, to our knowledge, has not been reported in the medical literature. This variant has been reported in the ClinVar database as a germline variant of uncertain significance by three submitters (ClinVar ID: 422442). This variant is observed on 45/281,368 alleles in the general population (gnomAD v2.1.1). Computational predictors are uncertain as to the impact of this variant on COL9A1 function. Due to limited information, the clinical significance of this variant is uncertain.

Blueprint Genetics
Classification: Uncertain significance. Last evaluated: 2024-10-30. Review status: criteria provided, single submitter. Criteria: ACMG Guidelines, 2015. Collection method: clinical testing. Allele origin: germline.

Labcorp Genetics (formerly Invitae), Labcorp
Classification: Uncertain significance. Last evaluated: 2024-01-25. Review status: criteria provided, single submitter. Criteria: Invitae Variant Classification Sherloc (09022015). Collection method: clinical testing. Allele origin: germline.
Comment: This sequence change replaces arginine, which is basic and polar, with histidine, which is basic and polar, at codon 357 of the COL9A1 protein (p.Arg357His). This variant is present in population databases (rs139288475, gnomAD 0.03%). This variant has not been reported in the literature in individuals affected with COL9A1-related conditions. ClinVar contains an entry for this variant (Variation ID: 422442). Advanced modeling of protein sequence and biophysical properties (such as structural, functional, and spatial information, amino acid conservation, physicochemical variation, residue mobility, and thermodynamic stability) performed at Invitae indicates that this missense variant is not expected to disrupt COL9A1 protein function with a negative predictive value of 95%. In summary, the available evidence is currently insufficient to determine the role of this variant in disease. Therefore, it has been classified as a Variant of Uncertain Significance.

Eurofins Ntd Llc (ga)
Classification: Uncertain significance. Last evaluated: 2018-07-23. Review status: criteria provided, single submitter. Criteria: EGL ClinVar v180209 classification definitions. Collection method: clinical testing. Allele origin: germline. Observed: 1 variant allele, 1 heterozygote.

NM_001851.6(COL9A1):c.1070G>A (p.Arg357His)

Gene: COL9A1 (collagen type IX alpha 1 chain; minus strand). Cytogenetic location: 6q13.
Variant type: single nucleotide variant.
Coding change: c.1070G>A on transcript NM_001851.6 (MANE Select); coding-DNA position 1070, G replaced by A.
Protein change: p.Arg357His; replaces arginine 357 with histidine.
Molecular consequence: missense variant. On other transcripts: non-coding transcript variant (1).
Genome position (GRCh38, 1-based): chr6:70,272,084, C>T on the plus strand (G>A on the coding strand, the complement: COL9A1 is on the minus strand). VCF-style: chr6-70272084-C-T. GRCh37 (hg19) VCF-style: chr6-70981787-C-T.
Other names: c.341G>A, p.Arg114His (NM_001377289.1, NM_001377290.1, NM_078485.4); short protein forms R357H, R114H.
Identifiers: ClinVar variation 422442 (VCV000422442.21), dbSNP rs139288475, ClinGen allele CA3882431.
Genomic context (GRCh38, chr6:70,272,084, plus strand): 5'-TTTATAGACTGCATAAAAATAAATGATGAAGTGATACTTACAGGGGGTCCAGGAATACCA[C>T]GGCCCTAAAAGAGTACAATAAAAATGGTTATAGCTTGAGGTTTATACTTAGTATAAATAT-3'
Protein context (NP_001842.3, residues 347-367): GVPGSRGFPG[Arg357His]GIPGPPGPPG